The following is an entry in ClinVar:

ClinVar aggregate classification (germline): Likely benign (1 of 4 stars; one submission).

gnomAD v4.1: 59 of 1,495,736 alleles (0.0039%); highest among the groups gnomAD compares: East Asian, 0.017%; no homozygotes.

Submission:

CeGaT Center for Human Genetics Tuebingen
Classification: Likely benign. Last evaluated: 2026-05-01. Review status: criteria provided, single submitter. Criteria: CeGaT Center For Human Genetics Tuebingen Variant Classification Criteria Version 2. Collection method: clinical testing. Allele origin: germline. Affected: yes. Observed: 1 variant allele.
Comment: ZBTB47: BP4, BP7

NM_145166.4(ZBTB47):c.747G>A (p.Thr249=)

Gene: ZBTB47 (zinc finger and BTB domain containing 47; plus strand). Cytogenetic location: 3p22.1.
Variant type: single nucleotide variant.
Coding change: c.747G>A on transcript NM_145166.4 (MANE Select); coding-DNA position 747, G replaced by A.
Protein change: p.Thr249=; no amino-acid change (threonine 249 retained).
Molecular consequence: synonymous variant.
Genome position (GRCh38, 1-based): chr3:42,659,102, G>A. VCF-style: chr3-42659102-G-A. GRCh37 (hg19) VCF-style: chr3-42700594-G-A.
Other names: c.831G>A, p.Thr277= (NM_001410746.1).
Identifiers: ClinVar variation 4873811 (VCV004873811.2).